The following is an entry in ClinVar:

ClinVar aggregate classification (germline): Uncertain significance (1 of 4 stars; one submission).

Conditions:
Hereditary pancreatitis (PCTT). Also called: Hereditary chronic pancreatitis; PRSS1-Related Hereditary Pancreatitis. Identifiers: Orphanet 676, MedGen C0238339, MONDO:0008185, OMIM 167800.

gnomAD v4.1: 2 of 1,596,076 alleles (0.00013%); highest among the groups gnomAD compares: East Asian, 0.0046%; no homozygotes.

Submission:

Labcorp Genetics (formerly Invitae), Labcorp
Classification: Uncertain significance for Hereditary pancreatitis. Last evaluated: 2023-07-17. Review status: criteria provided, single submitter. Criteria: Invitae Variant Classification Sherloc (09022015). Collection method: clinical testing. Allele origin: germline.
Comment: ClinVar contains an entry for this variant (Variation ID: 2147719). This sequence change replaces arginine, which is basic and polar, with proline, which is neutral and non-polar, at codon 29 of the CTRC protein (p.Arg29Pro). The frequency data for this variant in the population databases is considered unreliable, as metrics indicate poor data quality at this position in the gnomAD database. This missense change has been observed in individual(s) with chronic pancreatitis (PMID: 30420730). Advanced modeling of protein sequence and biophysical properties (such as structural, functional, and spatial information, amino acid conservation, physicochemical variation, residue mobility, and thermodynamic stability) performed at Invitae indicates that this missense variant is expected to disrupt CTRC protein function. In summary, the available evidence is currently insufficient to determine the role of this variant in disease. Therefore, it has been classified as a Variant of Uncertain Significance.

Literature cited by the submitters: PubMed 30420730.

NM_007272.3(CTRC):c.86G>C (p.Arg29Pro)

Gene: CTRC (chymotrypsin C; plus strand). Cytogenetic location: 1p36.21.
Variant type: single nucleotide variant.
Coding change: c.86G>C on transcript NM_007272.3 (MANE Select); coding-DNA position 86, G replaced by C.
Protein change: p.Arg29Pro; replaces arginine 29 with proline.
Molecular consequence: missense variant.
Genome position (GRCh38, 1-based): chr1:15,440,345, G>C. VCF-style: chr1-15440345-G-C. GRCh37 (hg19) VCF-style: chr1-15766841-G-C.
Other names: short protein forms R29P.
Identifiers: ClinVar variation 2147719 (VCV002147719.4), dbSNP rs772024986, ClinGen allele CA338564590.
Genomic context (GRCh38, chr1:15,440,345, plus strand): 5'-CTCCTGTCTCCCCAGCCTCCAGCTGTGGGGTGCCCAGCTTCCCGCCCAACCTATCCGCCC[G>C]AGTGGTGGGAGGAGAGGATGCCCGGCCCCACAGCTGGCCCTGGCAGGTAAGCCTGTGTAG-3'
Protein context (NP_009203.2, residues 19-39): VPSFPPNLSA[Arg29Pro]VVGGEDARPH